The following is an entry in ClinVar:

NM_015331.3(NCSTN):c.436+1G>A

Gene: NCSTN (nicastrin; plus strand). Cytogenetic location: 1q23.2.
Variant type: single nucleotide variant.
Coding change: c.436+1G>A on transcript NM_015331.3 (MANE Select); the canonical splice donor site of the intron after coding-DNA position 436, G replaced by A.
Molecular consequence: splice donor variant.
Genome position (GRCh38, 1-based): chr1:160,349,671, G>A. VCF-style: chr1-160349671-G-A. GRCh37 (hg19) VCF-style: chr1-160319461-G-A.
Other names: c.376+1G>A (NM_001290184.2); c.436+1G>A (NM_001349729.2, NM_001290186.2).
Identifiers: ClinVar variation 4725617 (VCV004725617.1).

ClinVar aggregate classification (germline): Likely pathogenic (1 of 4 stars; one submission).

Submission:

Labcorp Genetics (formerly Invitae), Labcorp
Classification: Likely pathogenic. Last evaluated: 2025-12-01. Review status: criteria provided, single submitter. Criteria: Invitae Variant Classification Sherloc (09022015). Collection method: clinical testing. Allele origin: germline.
Comment: This sequence change affects a donor splice site in intron 4 of the NCSTN gene. It is expected to disrupt RNA splicing. Variants that disrupt the donor or acceptor splice site typically lead to a loss of protein function (PMID: 16199547), and loss-of-function variants in NCSTN are known to be pathogenic (PMID: 20929727, 21430701, 22358060). This variant is not present in population databases (gnomAD no frequency). This variant has not been reported in the literature in individuals affected with NCSTN-related conditions. Algorithms developed to predict the effect of sequence changes on RNA splicing suggest that this variant may disrupt the consensus splice site. In summary, the currently available evidence indicates that the variant is pathogenic, but additional data are needed to prove that conclusively. Therefore, this variant has been classified as Likely Pathogenic.

Literature cited by the submitters: PubMed 16199547; PubMed 20929727; PubMed 21430701; PubMed 22358060.